The following is an entry in ClinVar:

NM_001267550.2(TTN):c.54648T>G (p.Val18216=)

Genes: TTN (titin; minus strand), TTN-AS1 (TTN antisense RNA 1; plus strand). Cytogenetic location: 2q31.2.
Variant type: single nucleotide variant.
Coding change: c.54648T>G on transcript NM_001267550.2 (MANE Select); coding-DNA position 54648, T replaced by G.
Protein change: p.Val18216=; no amino-acid change (valine 18216 retained).
Molecular consequence: synonymous variant.
Genome position (GRCh38, 1-based): chr2:178,604,039, A>C on the plus strand (T>G on the coding strand, the complement: TTN is on the minus strand). VCF-style: chr2-178604039-A-C. GRCh37 (hg19) VCF-style: chr2-179468766-A-C.
Other names: c.49725T>G, p.Val16575= (NM_001256850.1); c.27453T>G, p.Val9151= (NM_003319.4); c.46944T>G, p.Val15648= (NM_133378.4); c.27828T>G, p.Val9276= (NM_133432.3); c.28029T>G, p.Val9343= (NM_133437.4).
Identifiers: ClinVar variation 1090563 (VCV001090563.15), dbSNP rs2054164428, ClinGen allele CA430269832.
Genomic context (GRCh38, chr2:178,604,039, plus strand): 5'-CAAACGAGGAACATTAAATTCCACGCCTTTCAATCCCACTTTGGTTATTGGTGCTCGGCT[A>C]ACACGTGACCAATAAGGACTTCCCTCTTCTCTTTTCTCCAGCCAGTAGCCAGTAATTGGA-3'
Protein context (NP_001254479.2, residues 18206-18226): REEGSPYWSR[Val18216=]SRAPITKVGL

ClinVar aggregate classification (germline): Likely benign. Review status: criteria provided, multiple submitters, no conflicts (2 of 4 stars). 3 submissions from 3 submitters: Likely benign (3). Last evaluated 2025-04-28.

Conditions:
Dilated cardiomyopathy 1G (CMD1G). Identifiers: Orphanet 154, MedGen C1858763, MONDO:0011400, OMIM 604145.
Autosomal recessive limb-girdle muscular dystrophy type 2J (LGMDR10). Also called: Limb-girdle muscular dystrophy, type 2J; MUSCULAR DYSTROPHY, LIMB-GIRDLE, AUTOSOMAL RECESSIVE 10. Identifiers: Orphanet 140922, MedGen C1837342, MONDO:0012127, OMIM 608807.
Cardiovascular phenotype. Identifiers: MedGen CN230736.
TTN-related disorder. Also called: TTN-related disorders; TTN-related condition; TTN-related disease.

Allele frequency attached by ClinVar (database versions not stated): TOPMed below 0.00001.

Submissions (3):

PreventionGenetics, part of Exact Sciences
Classification: Likely benign for TTN-related condition. Last evaluated: 2025-04-28. Review status: criteria provided, single submitter. Criteria: ACMG Guidelines, 2015. Collection method: clinical testing. Allele origin: germline.
Comment: This variant is classified as likely benign based on ACMG/AMP sequence variant interpretation guidelines (Richards et al. 2015 PMID: 25741868, with internal and published modifications).

Labcorp Genetics (formerly Invitae), Labcorp
Classification: Likely benign for Dilated cardiomyopathy 1G; Autosomal recessive limb-girdle muscular dystrophy type 2J. Last evaluated: 2024-07-23. Review status: criteria provided, single submitter. Criteria: Invitae Variant Classification Sherloc (09022015). Collection method: clinical testing. Allele origin: germline.

Ambry Genetics
Classification: Likely benign for Cardiovascular phenotype. Last evaluated: 2020-06-29. Review status: criteria provided, single submitter. Criteria: Ambry Variant Classification Scheme 2023. Collection method: clinical testing. Allele origin: germline.